The following is an entry in ClinVar:

ClinVar aggregate classification (germline): Uncertain significance. Review status: criteria provided, multiple submitters, no conflicts (2 of 4 stars). 3 submissions from 3 submitters: Uncertain significance (3). Last evaluated 2025-07-21.

Allele frequency attached by ClinVar (database versions not stated): gnomAD exomes below 0.00001.
gnomAD v4.1: 2 of 1,613,284 alleles (0.00012%); highest among the groups gnomAD compares: Non-Finnish European, 0.000085%; no homozygotes.

Submissions (3):

GeneDx
Classification: Uncertain significance. Last evaluated: 2025-07-21. Review status: criteria provided, single submitter. Criteria: GeneDx Variant Classification Process June 2021. Collection method: clinical testing. Allele origin: germline. Affected: yes.
Comment: Apparently de novo variant in a patient with a neurodevelopmental disorder and minor dysmorphisms in the published literature; episignature testing for this patient was negative and the authors classified this as a variant of uncertain significance (PMID: 39501558); Has also been observed in a large cohort of patients with neurodevelopmental disorders but no patient specific information or segregation data were specified (PMID: 33004838); Not observed at significant frequency in large population cohorts (gnomAD); In silico analysis supports that this missense variant has a deleterious effect on protein structure/function; This variant is associated with the following publications: (PMID: 33004838, 39501558)

CeGaT Center for Human Genetics Tuebingen
Classification: Uncertain significance. Last evaluated: 2024-01-01. Review status: criteria provided, single submitter. Criteria: CeGaT Center For Human Genetics Tuebingen Variant Classification Criteria Version 2. Collection method: clinical testing. Allele origin: germline. Affected: yes. Observed: 2 variant alleles.
Comment: CUL3: PP2, PP3

Labcorp Genetics (formerly Invitae), Labcorp
Classification: Uncertain significance. Last evaluated: 2022-07-15. Review status: criteria provided, single submitter. Criteria: Invitae Variant Classification Sherloc (09022015). Collection method: clinical testing. Allele origin: germline.
Comment: This sequence change replaces arginine, which is basic and polar, with glutamine, which is neutral and polar, at codon 148 of the CUL3 protein (p.Arg148Gln). This variant is not present in population databases (gnomAD no frequency). This missense change has been observed in individual(s) with clinical features of CUL3-related conditions (PMID: 33004838). Algorithms developed to predict the effect of missense changes on protein structure and function are either unavailable or do not agree on the potential impact of this missense change (SIFT: "Deleterious"; PolyPhen-2: "Probably Damaging"; Align-GVGD: "Class C0"). In summary, the available evidence is currently insufficient to determine the role of this variant in disease. Therefore, it has been classified as a Variant of Uncertain Significance.

Literature cited by the submitters: PubMed 33004838 (cited by Labcorp Genetics (formerly Invitae), Labcorp).

NM_003590.5(CUL3):c.443G>A (p.Arg148Gln)

Gene: CUL3 (cullin 3; minus strand). Cytogenetic location: 2q36.2.
Variant type: single nucleotide variant.
Coding change: c.443G>A on transcript NM_003590.5 (MANE Select); coding-DNA position 443, G replaced by A.
Protein change: p.Arg148Gln; replaces arginine 148 with glutamine.
Molecular consequence: missense variant.
Genome position (GRCh38, 1-based): chr2:224,514,708, C>T on the plus strand (G>A on the coding strand, the complement: CUL3 is on the minus strand). VCF-style: chr2-224514708-C-T. GRCh37 (hg19) VCF-style: chr2-225379425-C-T.
Other names: c.245G>A, p.Arg82Gln (NM_001257197.2); c.461G>A, p.Arg154Gln (NM_001257198.2); c.443G>A (NM_003590.4); short protein forms R148Q, R154Q, R82Q.
Identifiers: ClinVar variation 2088695 (VCV002088695.28), dbSNP rs2106223657, ClinGen allele CA350831939.
Genomic context (GRCh38, chr2:224,514,708, plus strand): 5'-ATATCCAATAGAGTTTGCCGTAGATGATCCCTAATACACCCATAACGTACAACTTGATCT[C>T]GAAAAATAATTAATCCCAAATTGTAGACGTTCTCCACATTATTTTGTTGTACATACACAC-3'
Protein context (NP_003581.1, residues 138-158): NVYNLGLIIF[Arg148Gln]DQVVRYGCIR